The following is an entry in ClinVar:

NM_130468.4(CHST14):c.145G>A (p.Val49Met)

Genes: CHST14 (carbohydrate sulfotransferase 14; plus strand), LOC130056851 (ATAC-STARR-seq lymphoblastoid silent region 6336; plus strand). Cytogenetic location: 15q15.1.
Variant type: single nucleotide variant.
Coding change: c.145G>A on transcript NM_130468.4 (MANE Select); coding-DNA position 145, G replaced by A.
Protein change: p.Val49Met; replaces valine 49 with methionine.
Molecular consequence: missense variant.
Genome position (GRCh38, 1-based): chr15:40,471,358, G>A. VCF-style: chr15-40471358-G-A. GRCh37 (hg19) VCF-style: chr15-40763557-G-A.
Other names: short protein forms V49M.
Identifiers: ClinVar variation 4689460 (VCV004689460.1).

ClinVar aggregate classification (germline): Uncertain significance (1 of 4 stars; one submission).

Submission:

Women's Health and Genetics/Laboratory Corporation of America, LabCorp
Classification: Uncertain significance. Last evaluated: 2026-01-12. Review status: criteria provided, single submitter. Criteria: LabCorp Variant Classification Summary - May 2015. Collection method: clinical testing. Allele origin: germline.
Comment: Variant summary: CHST14 c.145G>A (p.Val49Met) results in a conservative amino acid change in the encoded protein sequence. Algorithms developed to predict the effect of missense changes on protein structure and function are either unavailable or do not agree on the potential impact of this missense change. The variant allele was found at a frequency of 0.0001 in 158000 control chromosomes. This frequency is not significantly higher than estimated for disease-causing variants in CHST14, allowing no conclusion about variant significance. To our knowledge, no occurrence of c.145G>A in individuals affected with CHST14-related conditions and no experimental evidence demonstrating its impact on protein function have been reported. No submitters have cited clinical-significance assessments for this variant to ClinVar. Based on the evidence outlined above, the variant was classified as uncertain significance.